The following is an entry in ClinVar:

ClinVar aggregate classification (germline): Uncertain significance (1 of 4 stars; one submission).

Allele frequency attached by ClinVar (database versions not stated): TOPMed below 0.00001; ExAC 0.00001; gnomAD exomes 0.00001.
gnomAD v4.1: 5 of 1,610,290 alleles (0.00031%); highest among the groups gnomAD compares: Non-Finnish European, 0.00025%; no homozygotes.

Submission:

Labcorp Genetics (formerly Invitae), Labcorp
Classification: Uncertain significance. Last evaluated: 2022-10-18. Review status: criteria provided, single submitter. Criteria: Invitae Variant Classification Sherloc (09022015). Collection method: clinical testing. Allele origin: germline.
Comment: This sequence change replaces isoleucine, which is neutral and non-polar, with threonine, which is neutral and polar, at codon 4380 of the ADGRV1 protein (p.Ile4380Thr). This variant is present in population databases (rs755332226, gnomAD 0.0009%). This variant has not been reported in the literature in individuals affected with ADGRV1-related conditions. Advanced modeling of protein sequence and biophysical properties (such as structural, functional, and spatial information, amino acid conservation, physicochemical variation, residue mobility, and thermodynamic stability) performed at Invitae indicates that this missense variant is not expected to disrupt ADGRV1 protein function. In summary, the available evidence is currently insufficient to determine the role of this variant in disease. Therefore, it has been classified as a Variant of Uncertain Significance.

NM_032119.4(ADGRV1):c.13139T>C (p.Ile4380Thr)

Gene: ADGRV1 (adhesion G protein-coupled receptor V1; plus strand). Cytogenetic location: 5q14.3.
Variant type: single nucleotide variant.
Coding change: c.13139T>C on transcript NM_032119.4 (MANE Select); coding-DNA position 13139, T replaced by C.
Protein change: p.Ile4380Thr; replaces isoleucine 4380 with threonine.
Molecular consequence: missense variant. On other transcripts: non-coding transcript variant (1).
Genome position (GRCh38, 1-based): chr5:90,781,486, T>C. VCF-style: chr5-90781486-T-C. GRCh37 (hg19) VCF-style: chr5-90077303-T-C.
Other names: short protein forms I4380T.
Identifiers: ClinVar variation 1721805 (VCV001721805.3), dbSNP rs755332226, ClinGen allele CA3341446.